The following is an entry in ClinVar:

NM_004963.4(GUCY2C):c.1645G>A (p.Gly549Ser)

Gene: GUCY2C (guanylate cyclase 2C; minus strand). Cytogenetic location: 12p12.3.
Variant type: single nucleotide variant.
Coding change: c.1645G>A on transcript NM_004963.4 (MANE Select); coding-DNA position 1645, G replaced by A.
Protein change: p.Gly549Ser; replaces glycine 549 with serine.
Molecular consequence: missense variant.
Genome position (GRCh38, 1-based): chr12:14,651,472, C>T on the plus strand (G>A on the coding strand, the complement: GUCY2C is on the minus strand). VCF-style: chr12-14651472-C-T. GRCh37 (hg19) VCF-style: chr12-14804406-C-T.
Other names: short protein forms G549S.
Identifiers: ClinVar variation 3355029 (VCV003355029.1).

ClinVar aggregate classification (germline): Uncertain significance (0 of 4 stars; one submission).

Conditions:
GUCY2C-related disorder. Also called: GUCY2C-related condition.

gnomAD v4.1: 18 of 1,609,030 alleles (0.0011%); highest among the groups gnomAD compares: East Asian, 0.0045%; no homozygotes.

Submission:

PreventionGenetics, part of Exact Sciences
Classification: Uncertain significance for GUCY2C-related condition. Last evaluated: 2024-08-06. Review status: no assertion criteria provided. Collection method: clinical testing. Allele origin: germline.
Comment: The GUCY2C c.1645G>A variant is predicted to result in the amino acid substitution p.Gly549Ser. This variant has been reported in study of individuals with inflammatory bowel disease (Table S6, Crowley et al. 2020. PubMed ID: 32084423). This variant is reported in 0.020% of alleles in individuals of Ashkenazi Jewish descent in gnomAD. At this time, the clinical significance of this variant is uncertain due to the absence of conclusive functional and genetic evidence.